The following is an entry in ClinVar:

ClinVar aggregate classification (germline): Likely benign. Review status: criteria provided, multiple submitters, no conflicts (2 of 4 stars). 2 submissions from 2 submitters: Likely benign (2). Last evaluated 2025-11-26.

Conditions:
Long QT syndrome (LQTS). Identifiers: MedGen C0023976, MeSH D008133, MONDO:0002442. Disease mechanism: loss of function. Inheritance: Various modes of inheritance.

Allele frequency attached by ClinVar (database versions not stated): TOPMed 0.00005; gnomAD 0.00006.
gnomAD v4.1: 12 of 1,543,462 alleles (0.00078%); highest among the groups gnomAD compares: African/African-American, 0.016%; no homozygotes.

Submissions (2):

Labcorp Genetics (formerly Invitae), Labcorp
Classification: Likely benign for Long QT syndrome. Last evaluated: 2025-11-26. Review status: criteria provided, single submitter. Criteria: Invitae Variant Classification Sherloc (09022015). Collection method: clinical testing. Allele origin: germline.

GeneDx
Classification: Likely benign. Last evaluated: 2017-10-02. Review status: criteria provided, single submitter. Criteria: GeneDx Variant Classification (06012015). Collection method: clinical testing. Allele origin: germline. Affected: yes.
Comment: This variant is considered likely benign or benign based on one or more of the following criteria: it is a conservative change, it occurs at a poorly conserved position in the protein, it is predicted to be benign by multiple in silico algorithms, and/or has population frequency not consistent with disease.

NM_000719.7(CACNA1C):c.1896-18C>A

Gene: CACNA1C (calcium voltage-gated channel subunit alpha1 C; plus strand). Cytogenetic location: 12p13.33.
Variant type: single nucleotide variant.
Coding change: c.1896-18C>A on transcript NM_000719.7 (MANE Select); 18 bases into the intron before coding-DNA position 1896, C replaced by A.
Molecular consequence: intron variant.
Genome position (GRCh38, 1-based): chr12:2,581,572, C>A. VCF-style: chr12-2581572-C-A. GRCh37 (hg19) VCF-style: chr12-2690738-C-A.
Other names: c.1896-18C>A (NM_001167624.3, NM_001167623.2, NM_001167625.2 and 18 more transcripts); c.1887-18C>A (NM_001129844.2).
Identifiers: ClinVar variation 386325 (VCV000386325.9), dbSNP rs1056995890, ClinGen allele CA16606247.